The following is an entry in ClinVar:

NM_000059.4(BRCA2):c.4534C>T (p.Arg1512Cys)

Gene: BRCA2 (BRCA2 DNA repair associated; plus strand). Cytogenetic location: 13q13.1.
Variant type: single nucleotide variant.
Coding change: c.4534C>T on transcript NM_000059.4 (MANE Select); coding-DNA position 4534, C replaced by T.
Protein change: p.Arg1512Cys; replaces arginine 1512 with cysteine.
Molecular consequence: missense variant.
Genome position (GRCh38, 1-based): chr13:32,338,889, C>T. VCF-style: chr13-32338889-C-T. GRCh37 (hg19) VCF-style: chr13-32913026-C-T.
Other names: short protein forms R1512C.
Identifiers: ClinVar variation 51660 (VCV000051660.40), dbSNP rs80358684, ClinGen allele CA020333.
Genomic context (GRCh38, chr13:32,338,889, plus strand): 5'-AAAGAAAGTGTCCCAGTTGGTACTGGAAATCAACTAGTGACCTTCCAGGGACAACCCGAA[C>T]GTGATGAAAAGATCAAAGAACCTACTCTATTGGGTTTTCATACAGCTAGCGGGAAAAAAG-3'
Protein context (NP_000050.3, residues 1502-1522): QLVTFQGQPE[Arg1512Cys]DEKIKEPTLL

ClinVar aggregate classification (germline): Conflicting classifications of pathogenicity. Review status: criteria provided, conflicting classifications (1 of 4 stars). 20 submissions from 19 submitters: Uncertain significance (10); Benign (1); Likely benign (4). 5 of the submissions do not count toward it. Last evaluated 2025-12-05.

Conditions:
BRCA2-related disorder. Also called: BRCA2-related condition; BRCA2-related disorders. Identifiers: MedGen CN239275.
Hereditary cancer-predisposing syndrome. Also called: Hereditary Cancer Syndrome; Neoplastic Syndromes, Hereditary; Hereditary neoplastic syndrome; Tumor predisposition. Identifiers: Orphanet 140162, MedGen C0027672, MeSH D009386, MONDO:0015356.
Ovarian cancer. Also called: OVARIAN CANCER, SOMATIC. Identifiers: Orphanet 213500, MedGen C1140680, MONDO:0008170, OMIM 167000.
Hereditary breast ovarian cancer syndrome. Also called: Hereditary breast and ovarian cancer syndrome; Breast and ovarian cancer; BRCA1- and BRCA2-Associated Hereditary Breast and Ovarian Cancer; Hereditary breast and/or ovarian cancer syndrome; Hereditary breast and ovarian cancer; Hereditary breast and ovarian cancer syndrome (HBOC). Identifiers: Orphanet 145, MedGen C0677776, MeSH D061325, MONDO:0003582. Disease mechanism: loss of function.
Breast-ovarian cancer, familial, susceptibility to, 2 (BROVCA2). Also called: BRCA2 Hereditary Breast and Ovarian Cancer. Identifiers: Orphanet 145, MedGen C2675520, MONDO:0012933, OMIM 612555. Disease mechanism: loss of function.
Fanconi anemia complementation group D1. Also called: BRCA2-Related Fanconi Anemia. Identifiers: Orphanet 319462, MedGen C1838457, MONDO:0011584, OMIM 605724.

Allele frequency attached by ClinVar (database versions not stated): TOPMed below 0.00001; ExAC 0.00001; gnomAD 0.00001.
gnomAD v4.1: 14 of 1,613,736 alleles (0.00087%); highest among the groups gnomAD compares: East Asian, 0.0022%; no homozygotes.

Submissions 1 to 10 of 20:

PreventionGenetics, part of Exact Sciences
Classification: Uncertain significance for BRCA2-related condition. Last evaluated: 2025-12-05. Review status: criteria provided, single submitter. Criteria: ACMG Guidelines, 2015. Collection method: clinical testing. Allele origin: germline.
Comment: The BRCA2 c.4534C>T variant is predicted to result in the amino acid substitution p.Arg1512Cys. This variant was reported in individuals with a personal or family history of breast cancer and an individual with stomach adenocarcinoma (Momozawa et al. 2018. PubMed ID: 30287823; Bhai et al. 2021. PubMed ID: 34326862; Lu et al. 2015. PubMed ID: 26689913). This variant is reported in 0.0065% of alleles in individuals of South Asian descent in gnomAD and has conflicting classifications in ClinVar ranging from likely benign to uncertain (Variation ID: 51660). Although we suspect that this variant may be benign, at this time, the clinical significance of this variant is uncertain due to the absence of conclusive functional and genetic evidence.

Labcorp Genetics (formerly Invitae), Labcorp
Classification: Uncertain significance for Hereditary breast ovarian cancer syndrome. Last evaluated: 2025-10-07. Review status: criteria provided, single submitter. Criteria: Invitae Variant Classification Sherloc (09022015). Collection method: clinical testing. Allele origin: germline.
Comment: This sequence change replaces arginine, which is basic and polar, with cysteine, which is neutral and slightly polar, at codon 1512 of the BRCA2 protein (p.Arg1512Cys). This variant is present in population databases (rs80358684, gnomAD 0.007%). This missense change has been observed in individual(s) with breast cancer, malignant melanoma, and stomach cancer (PMID: 26689913, 30286154, 30287823). ClinVar contains an entry for this variant (Variation ID: 51660). Invitae Evidence Modeling of protein sequence and biophysical properties (such as structural, functional, and spatial information, amino acid conservation, physicochemical variation, residue mobility, and thermodynamic stability) indicates that this missense variant is not expected to disrupt BRCA2 protein function with a negative predictive value of 95%. In summary, the available evidence is currently insufficient to determine the role of this variant in disease. Therefore, it has been classified as a Variant of Uncertain Significance.

Quest Diagnostics Nichols Institute San Juan Capistrano
Classification: Uncertain significance. Last evaluated: 2025-07-30. Review status: criteria provided, single submitter. Criteria: Quest Diagnostics criteria. Collection method: clinical testing. Allele origin: unknown.
Comment: The BRCA2 c.4534C>T (p.Arg1512Cys) variant has been reported in the published literature in individuals with breast and/or ovarian cancer (PMID: 30287823 (2018), 34326862 (2021), 38509102 (2024), 33471991 (2021), see also LOVD), melanoma (PMID: 30286154 (2018)), stomach cancer (PMID: 26689913 (2015)), and reportedly unaffected individuals (PMID: 30287823 (2018), 36243179 (2022), 33471991 (2021), see also LOVD). This variant has also been described to be located in a region of the BRCA2 gene that is tolerant to missense sequence changes (PMID: 31911673 (2020)). The frequency of this variant in the general population (Genome Aggregation Database) is uninformative in the assessment of its pathogenicity. Analysis of this variant using bioinformatics tools for the prediction of the effect of amino acid changes on protein structure and function yielded predictions that this variant is benign. Based on the available information, we are unable to determine the clinical significance of this variant.

Women's Health and Genetics/Laboratory Corporation of America, LabCorp
Classification: Uncertain significance. Last evaluated: 2024-08-12. Review status: criteria provided, single submitter. Criteria: LabCorp Variant Classification Summary - May 2015. Collection method: clinical testing. Allele origin: germline.
Comment: Variant summary: BRCA2 c.4534C>T (p.Arg1512Cys) results in a non-conservative amino acid change in the encoded protein sequence. Four of five in-silico tools predict a benign effect of the variant on protein function. The variant allele was found at a frequency of 1.6e-05 in 250336 control chromosomes. The available data on variant occurrences in the general population are insufficient to allow any conclusion about variant significance. c.4534C>T has been reported in the literature in individuals affected with breast cancer, stomach cancer and malignant melanoma (examples: Momozawa_2018, Lu_2015, Debinak_2018). In one study authors found that the variant did not segregate with the disease (Debinak_2018). These report(s) do not provide unequivocal conclusions about association of the variant with Hereditary Breast And Ovarian Cancer Syndrome. To our knowledge, no experimental evidence demonstrating an impact on protein function has been reported. The following publications have been ascertained in the context of this evaluation (PMID: 26689913, 30287823, 30286154). ClinVar contains an entry for this variant (Variation ID: 51660). Based on the evidence outlined above, the variant was classified as uncertain significance.

All of Us Research Program, National Institutes of Health
Classification: Likely benign for Breast-ovarian cancer, familial, susceptibility to, 2. Last evaluated: 2023-06-26. Review status: criteria provided, single submitter. Criteria: ACMG Guidelines, 2015. Collection method: clinical testing. Allele origin: germline. Inheritance: Autosomal dominant inheritance. Observed: 1 variant allele, 1 heterozygote.
Comment: This study involves interpretation of variants in research participants for the purpose of population health screening. Participant phenotype was not available at the time of variant classification. Additional details can be found in publication PMID: 35346344, PMCID: PMC8962531

University of Washington Department of Laboratory Medicine, University of Washington
Classification: Likely benign for Hereditary cancer-predisposing syndrome. Last evaluated: 2023-03-23. Review status: criteria provided, single submitter. Criteria: Dines et al. (Genet Med. 2020). Collection method: curation. Allele origin: germline.
Comment: Missense variant in a coldspot region where missense variants are very unlikely to be pathogenic (PMID:31911673).

BRCA2 exon 11 coldspot. Reclassification based on statistical prior probability.

Revvity Omics, Revvity
Classification: Uncertain significance. Last evaluated: 2022-06-09. Review status: criteria provided, single submitter. Criteria: ACMG Guidelines, 2015. Collection method: clinical testing. Allele origin: germline.

Laboratory of Molecular Epidemiology of Birth Defects, West China Second University Hospital, Sichuan University
Classification: Benign for Ovarian cancer. Last evaluated: 2022-01-01. Review status: criteria provided, single submitter. Criteria: ACMG Guidelines, 2015. Collection method: clinical testing. Allele origin: germline. Affected: yes.

Sema4
Classification: Uncertain significance for Hereditary cancer-predisposing syndrome. Last evaluated: 2021-12-01. Review status: criteria provided, single submitter. Criteria: Sema4 Curation Guidelines. Collection method: curation. Allele origin: germline.
Comment: The BRCA2 c.4534C>T (p.R1512C) variant has been reported in individuals with breast cancer, malignant melanoma and stomach adenocarcinoma (PMID: 30287823, 30286154, 26689913). Additionally, a large case-control study identified the variant in 2/60466 breast cancer cases and in 1/53461 controls (PMID: 33471991). It was observed in 2/30570 chromosomes of the South Asian subpopulation in the large and broad cohorts of the Genome Aggregation Database (PMID: 32461654). The variant has been reported in ClinVar (Variation ID 51660). In silico tools suggest the impact of the variant on protein function is benign though these predictions have not been confirmed by functional studies. The evidence is insufficient to meet ACMG/AMP criteria for classifying the variant as benign or pathogenic. Thus, the clinical significance of this variant is currently uncertain.

Ambry Genetics
Classification: Likely benign for Hereditary cancer-predisposing syndrome. Last evaluated: 2019-07-17. Review status: criteria provided, single submitter. Criteria: Ambry Variant Classification Scheme 2023. Collection method: clinical testing. Allele origin: germline.